The following is an entry in ClinVar:

NM_014239.4(EIF2B2):c.677del (p.Met226fs)

Gene: EIF2B2 (eukaryotic translation initiation factor 2B subunit beta; plus strand). Cytogenetic location: 14q24.3.
Variant type: Deletion.
Coding change: c.677del on transcript NM_014239.4 (MANE Select); coding-DNA position 677, one base deleted (T; older notation c.677delT).
Protein change: p.Met226fs; shifts the reading frame from methionine 226.
Molecular consequence: frameshift variant.
Genome position (GRCh38, 1-based): chr14:75,005,945, T deleted. VCF-style (leftmost placement, unchanged base first): chr14-75005944-AT-A. GRCh37 (hg19) VCF-style: chr14-75472647-AT-A.
Other names: short protein forms M226fs.
Identifiers: ClinVar variation 4806161 (VCV004806161.1).

ClinVar aggregate classification (germline): Pathogenic (1 of 4 stars; one submission).

Submission:

Labcorp Genetics (formerly Invitae), Labcorp
Classification: Pathogenic. Last evaluated: 2025-02-06. Review status: criteria provided, single submitter. Criteria: Invitae Variant Classification Sherloc (09022015). Collection method: clinical testing. Allele origin: germline.
Comment: This sequence change creates a premature translational stop signal (p.Met226Serfs*7) in the EIF2B2 gene. It is expected to result in an absent or disrupted protein product. Loss-of-function variants in EIF2B2 are known to be pathogenic (PMID: 11704758, 12707859). This variant is present in population databases (rs746013265, gnomAD 0.0009%). This variant has not been reported in the literature in individuals affected with EIF2B2-related conditions. For these reasons, this variant has been classified as Pathogenic.

Literature cited by the submitters: PubMed 11704758; PubMed 12707859.